The following is an entry in ClinVar:

ClinVar aggregate classification (germline): Uncertain significance (1 of 4 stars; one submission).

Conditions:
Catecholaminergic polymorphic ventricular tachycardia 1. Also called: VENTRICULAR TACHYCARDIA, CATECHOLAMINERGIC POLYMORPHIC, 1, WITH OR WITHOUT ATRIAL DYSFUNCTION AND/OR DILATED CARDIOMYOPATHY; RYR2-Related Catecholaminergic Polymorphic Ventricular Tachycardia; VENTRICULAR TACHYCARDIA, STRESS-INDUCED POLYMORPHIC 1. Identifiers: Orphanet 3286, MedGen C1631597, MONDO:0011484, OMIM 604772.

Submission:

Labcorp Genetics (formerly Invitae), Labcorp
Classification: Uncertain significance for Catecholaminergic polymorphic ventricular tachycardia 1. Last evaluated: 2023-04-28. Review status: criteria provided, single submitter. Criteria: Invitae Variant Classification Sherloc (09022015). Collection method: clinical testing. Allele origin: germline.
Comment: This variant has not been reported in the literature in individuals affected with RYR2-related conditions. In summary, the available evidence is currently insufficient to determine the role of this variant in disease. Therefore, it has been classified as a Variant of Uncertain Significance. Variants that disrupt the consensus splice site are a relatively common cause of aberrant splicing (PMID: 17576681, 9536098). Algorithms developed to predict the effect of sequence changes on RNA splicing suggest that this variant may disrupt the consensus splice site. ClinVar contains an entry for this variant (Variation ID: 1058556). This variant is not present in population databases (gnomAD no frequency). This sequence change falls in intron 46 of the RYR2 gene. It does not directly change the encoded amino acid sequence of the RYR2 protein. It affects a nucleotide within the consensus splice site.

Literature cited by the submitters: PubMed 17576681; PubMed 9536098.

NM_001035.3(RYR2):c.7115+6T>G

Gene: RYR2 (ryanodine receptor 2; plus strand). Cytogenetic location: 1q43.
Variant type: single nucleotide variant.
Coding change: c.7115+6T>G on transcript NM_001035.3 (MANE Select); 6 bases into the intron after coding-DNA position 7115, T replaced by G.
Molecular consequence: intron variant.
Genome position (GRCh38, 1-based): chr1:237,639,207, T>G. VCF-style: chr1-237639207-T-G. GRCh37 (hg19) VCF-style: chr1-237802507-T-G.
Identifiers: ClinVar variation 1058556 (VCV001058556.10), dbSNP rs2148728871, ClinGen allele CA2499214589.